The following is an entry in ClinVar:

ClinVar aggregate classification (germline): Uncertain significance (1 of 4 stars; one submission).

Allele frequency attached by ClinVar (database versions not stated): TOPMed 0.00001; ExAC 0.00002; gnomAD 0.00001; ESP Exome Variant Server 0.00008.
gnomAD v4.1: 3 of 1,614,004 alleles (0.00019%); highest among the groups gnomAD compares: African/African-American, 0.0027%; no homozygotes.

Submission:

GeneDx
Classification: Uncertain significance. Last evaluated: 2023-02-14. Review status: criteria provided, single submitter. Criteria: GeneDx Variant Classification Process June 2021. Collection method: clinical testing. Allele origin: germline. Affected: yes.
Comment: In silico analysis supports that this missense variant has a deleterious effect on protein structure/function; Has not been previously published as pathogenic or benign to our knowledge

NM_173596.3(SLC39A5):c.143G>A (p.Gly48Asp)

Gene: SLC39A5 (solute carrier family 39 member 5; plus strand). Cytogenetic location: 12q13.3.
Variant type: single nucleotide variant.
Coding change: c.143G>A on transcript NM_173596.3 (MANE Select); coding-DNA position 143, G replaced by A.
Protein change: p.Gly48Asp; replaces glycine 48 with aspartic acid.
Molecular consequence: missense variant.
Genome position (GRCh38, 1-based): chr12:56,231,417, G>A. VCF-style: chr12-56231417-G-A. GRCh37 (hg19) VCF-style: chr12-56625201-G-A.
Other names: c.143G>A, p.Gly48Asp (NM_001135195.2); short protein forms G48D.
Identifiers: ClinVar variation 2578059 (VCV002578059.1), dbSNP rs370643013, ClinGen allele CA6626966.
Genomic context (GRCh38, chr12:56,231,417, plus strand): 5'-ACCTGGGCCCTGCTGAGCAGGAGCAGAACCATTACCTGGCCCAGCTGTTTGGCCTGTACG[G>A]CGAGAATGGGACGCTGACTGCAGGGGGCTTGGCGCGGCTTCTCCACAGCCTGGGGCTAGG-3'
Protein context (NP_775867.2, residues 38-58): HYLAQLFGLY[Gly48Asp]ENGTLTAGGL